The following is an entry in ClinVar:

NM_005896.4(IDH1):c.913G>T (p.Ala305Ser)

Gene: IDH1 (isocitrate dehydrogenase (NADP(+)) 1; minus strand). Cytogenetic location: 2q34.
Variant type: single nucleotide variant.
Coding change: c.913G>T on transcript NM_005896.4 (MANE Select); coding-DNA position 913, G replaced by T.
Protein change: p.Ala305Ser; replaces alanine 305 with serine.
Molecular consequence: missense variant.
Genome position (GRCh38, 1-based): chr2:208,239,941, C>A on the plus strand (G>T on the coding strand, the complement: IDH1 is on the minus strand). VCF-style: chr2-208239941-C-A. GRCh37 (hg19) VCF-style: chr2-209104665-C-A.
Other names: c.913G>T, p.Ala305Ser (NM_001282386.1, NM_001282387.1); short protein forms A305S.
Identifiers: ClinVar variation 1765943 (VCV001765943.3), dbSNP rs1384045653, ClinGen allele CA350095282.

ClinVar aggregate classification (germline): Uncertain significance (1 of 4 stars; one submission).

Submission:

Ambry Genetics
Classification: Uncertain significance. Last evaluated: 2024-07-28. Review status: criteria provided, single submitter. Criteria: Ambry Variant Classification Scheme 2023. Collection method: clinical testing. Allele origin: germline.
Comment: The p.A305S variant (also known as c.913G>T), located in coding exon 6 of the IDH1 gene, results from a G to T substitution at nucleotide position 913. The alanine at codon 305 is replaced by serine, an amino acid with similar properties. This amino acid position is conserved. In addition, this alteration is predicted to be tolerated by in silico analysis. Since supporting evidence is limited at this time, the clinical significance of this alteration remains unclear.